The following is an entry in ClinVar:

NM_152564.5(VPS13B):c.11200G>C (p.Gly3734Arg)

Gene: VPS13B (vacuolar protein sorting 13 homolog B; plus strand). Cytogenetic location: 8q22.2.
Variant type: single nucleotide variant.
Coding change: c.11200G>C on transcript NM_152564.5 (MANE Select); coding-DNA position 11200, G replaced by C.
Protein change: p.Gly3734Arg; replaces glycine 3734 with arginine.
Molecular consequence: missense variant.
Genome position (GRCh38, 1-based): chr8:99,861,931, G>C. VCF-style: chr8-99861931-G-C. GRCh37 (hg19) VCF-style: chr8-100874159-G-C.
Other names: c.11275G>C, p.Gly3759Arg (NM_017890.5); short protein forms G3759R, G3734R.
Identifiers: ClinVar variation 2808689 (VCV002808689.3), dbSNP rs2492300554, ClinGen allele CA371790733.

ClinVar aggregate classification (germline): Uncertain significance (1 of 4 stars; one submission).

Conditions:
Cohen syndrome (COH1). Also called: Cutis verticis gyrata, retinitis pigmentosa, and sensorineural deafness; PEPPER SYNDROME. Identifiers: Orphanet 193, MedGen C0265223, MONDO:0008999, OMIM 216550.

Submission:

Labcorp Genetics (formerly Invitae), Labcorp
Classification: Uncertain significance for Cohen syndrome. Last evaluated: 2022-10-16. Review status: criteria provided, single submitter. Criteria: Invitae Variant Classification Sherloc (09022015). Collection method: clinical testing. Allele origin: germline.
Comment: This variant is not present in population databases (gnomAD no frequency). This sequence change replaces glycine, which is neutral and non-polar, with arginine, which is basic and polar, at codon 3759 of the VPS13B protein (p.Gly3759Arg). This variant has not been reported in the literature in individuals affected with VPS13B-related conditions. In summary, the available evidence is currently insufficient to determine the role of this variant in disease. Therefore, it has been classified as a Variant of Uncertain Significance. Advanced modeling of protein sequence and biophysical properties (such as structural, functional, and spatial information, amino acid conservation, physicochemical variation, residue mobility, and thermodynamic stability) performed at Invitae indicates that this missense variant is expected to disrupt VPS13B protein function.